The following is an entry in ClinVar:

ClinVar aggregate classification (germline): Uncertain significance. Review status: criteria provided, multiple submitters, no conflicts (2 of 4 stars). 3 submissions from 3 submitters: Uncertain significance (3). Last evaluated 2025-08-10.

Conditions:
RAI1-related disorder. Also called: RAI1-related condition.
Smith-Magenis syndrome (SMS). Also called: CHROMOSOME 17p11.2 DELETION SYNDROME. Identifiers: Orphanet 819, MedGen C0795864, MONDO:0008434, OMIM 182290.

Allele frequency attached by ClinVar (database versions not stated): gnomAD exomes below 0.00001; ExAC 0.00001.
gnomAD v4.1: 4 of 1,614,026 alleles (0.00025%); highest among the groups gnomAD compares: Non-Finnish European, 0.00034%; no homozygotes.

Submissions (3):

Labcorp Genetics (formerly Invitae), Labcorp
Classification: Uncertain significance. Last evaluated: 2025-08-10. Review status: criteria provided, single submitter. Criteria: Invitae Variant Classification Sherloc (09022015). Collection method: clinical testing. Allele origin: germline.
Comment: This sequence change replaces serine, which is neutral and polar, with cysteine, which is neutral and slightly polar, at codon 1656 of the RAI1 protein (p.Ser1656Cys). This variant is present in population databases (rs774532013, gnomAD 0.0009%). This variant has not been reported in the literature in individuals affected with RAI1-related conditions. ClinVar contains an entry for this variant (Variation ID: 1028899). Invitae Evidence Modeling of protein sequence and biophysical properties (such as structural, functional, and spatial information, amino acid conservation, physicochemical variation, residue mobility, and thermodynamic stability) indicates that this missense variant is not expected to disrupt RAI1 protein function with a negative predictive value of 80%. In summary, the available evidence is currently insufficient to determine the role of this variant in disease. Therefore, it has been classified as a Variant of Uncertain Significance.

PreventionGenetics, part of Exact Sciences
Classification: Uncertain significance for RAI1-related condition. Last evaluated: 2025-05-28. Review status: criteria provided, single submitter. Criteria: ACMG Guidelines, 2015. Collection method: clinical testing. Allele origin: germline.
Comment: The RAI1 c.4967C>G variant is predicted to result in the amino acid substitution p.Ser1656Cys. To our knowledge, this variant has not been reported in the literature. This variant is reported in 0.00088% of alleles in individuals of European (Non-Finnish) descent in gnomAD. At this time, the clinical significance of this variant is uncertain due to the absence of conclusive functional and genetic evidence.

Baylor Genetics
Classification: Uncertain significance for Smith-Magenis syndrome. Last evaluated: 2020-04-24. Review status: criteria provided, single submitter. Criteria: ACMG Guidelines, 2015. Collection method: clinical testing. Allele origin: maternal. Affected: yes.
Comment: This variant was determined to be of uncertain significance according to ACMG Guidelines, 2015 [PMID:25741868].

NM_030665.4(RAI1):c.4967C>G (p.Ser1656Cys)

Gene: RAI1 (retinoic acid induced 1; plus strand). Cytogenetic location: 17p11.2.
Variant type: single nucleotide variant.
Coding change: c.4967C>G on transcript NM_030665.4 (MANE Select); coding-DNA position 4967, C replaced by G.
Protein change: p.Ser1656Cys; replaces serine 1656 with cysteine.
Molecular consequence: missense variant.
Genome position (GRCh38, 1-based): chr17:17,797,915, C>G. VCF-style: chr17-17797915-C-G. GRCh37 (hg19) VCF-style: chr17-17701229-C-G.
Other names: short protein forms S1656C.
Identifiers: ClinVar variation 1028899 (VCV001028899.5), dbSNP rs774532013, ClinGen allele CA8419075.